The following is an entry in ClinVar:

NM_001367549.1(ATP13A3):c.3136A>G (p.Thr1046Ala)

Gene: ATP13A3 (ATPase 13A3; minus strand). Cytogenetic location: 3q29.
Variant type: single nucleotide variant.
Coding change: c.3136A>G on transcript NM_001367549.1 (MANE Select); coding-DNA position 3136, A replaced by G.
Protein change: p.Thr1046Ala; replaces threonine 1046 with alanine.
Molecular consequence: missense variant. On other transcripts: non-coding transcript variant (2).
Genome position (GRCh38, 1-based): chr3:194,425,519, T>C on the plus strand (A>G on the coding strand, the complement: ATP13A3 is on the minus strand). VCF-style: chr3-194425519-T-C. GRCh37 (hg19) VCF-style: chr3-194146248-T-C.
Other names: c.3055A>G, p.Thr1019Ala (NM_001374836.1); c.3136A>G, p.Thr1046Ala (NM_024524.4); c.3136A>G (NM_024524.3); short protein forms T1019A, T1046A.
Identifiers: ClinVar variation 1670948 (VCV001670948.13), dbSNP rs189073215, ClinGen allele CA2761473.

ClinVar aggregate classification (germline): Benign/Likely benign. Review status: criteria provided, multiple submitters, no conflicts (2 of 4 stars). 5 submissions from 5 submitters: Benign (2); Likely benign (2). 1 of the submissions does not count toward it. Last evaluated 2025-12-25.

Conditions:
ATP13A3-related disorder. Also called: ATP13A3-related condition.

Allele frequency attached by ClinVar (database versions not stated): 1000 Genomes Project 0.00060; 1000 Genomes Project 30x 0.00062; TOPMed 0.00111; ESP Exome Variant Server 0.00127; gnomAD 0.00156 and 0.00164; gnomAD exomes 0.00173 and 0.00195; ExAC 0.00202.
gnomAD v4.1: 2,741 of 1,611,388 alleles (0.17%); highest among the groups gnomAD compares: Non-Finnish European, 0.16%; 4 homozygotes.

Submissions (5):

Labcorp Genetics (formerly Invitae), Labcorp
Classification: Benign. Last evaluated: 2025-12-25. Review status: criteria provided, single submitter. Criteria: Invitae Variant Classification Sherloc (09022015). Collection method: clinical testing. Allele origin: germline.

Ambry Genetics
Classification: Likely benign. Last evaluated: 2025-08-10. Review status: criteria provided, single submitter. Criteria: Ambry Variant Classification Scheme 2023. Collection method: clinical testing. Allele origin: germline.

Blueprint Genetics
Classification: Likely benign. Last evaluated: 2024-11-26. Review status: criteria provided, single submitter. Criteria: ACMG Guidelines, 2015. Collection method: clinical testing. Allele origin: germline.

Breakthrough Genomics
Classification: Benign. Review status: criteria provided, single submitter. Criteria: ACMG Guidelines, 2015. Collection method: not provided. Allele origin: germline. Inheritance: Autosomal recessive inheritance. Affected: yes.

PreventionGenetics, part of Exact Sciences
Classification: Likely benign for ATP13A3-related condition. Last evaluated: 2019-06-26. Review status: no assertion criteria provided. Collection method: clinical testing. Allele origin: germline. Not counted in ClinVar's aggregate classification.
Comment: This variant is classified as likely benign based on ACMG/AMP sequence variant interpretation guidelines (Richards et al. 2015 PMID: 25741868, with internal and published modifications).